The following is an entry in ClinVar:

NM_198253.3(TERT):c.1001C>T (p.Ser334Phe)

Gene: TERT (telomerase reverse transcriptase; minus strand). Cytogenetic location: 5p15.33.
Variant type: single nucleotide variant.
Coding change: c.1001C>T on transcript NM_198253.3 (MANE Select); coding-DNA position 1001, C replaced by T.
Protein change: p.Ser334Phe; replaces serine 334 with phenylalanine.
Molecular consequence: missense variant. On other transcripts: non-coding transcript variant (2).
Genome position (GRCh38, 1-based): chr5:1,293,885, G>A on the plus strand (C>T on the coding strand, the complement: TERT is on the minus strand). VCF-style: chr5-1293885-G-A. GRCh37 (hg19) VCF-style: chr5-1294000-G-A.
Other names: c.1001C>T, p.Ser334Phe (NM_001193376.3, NM_003219.1); short protein forms S334F.
Identifiers: ClinVar variation 2942047 (VCV002942047.3), dbSNP rs1420805598, ClinGen allele CA359055979.
Genomic context (GRCh38, chr5:1,293,885, plus strand): 5'-AGGCTGGGCCTCAGAGAGCTGAGTAGGAAGGAGGGCCGCAGCTGCTCCTTGTCGCCTGAG[G>A]AGTAGAGGAAGTGCTTGGTCTCGGCGTACACCGGGGGACAAGGCGTGTCCCAGGGACGTG-3'
Protein context (NP_937983.2, residues 324-344): VYAETKHFLY[Ser334Phe]SGDKEQLRPS

ClinVar aggregate classification (germline): Uncertain significance (1 of 4 stars; one submission).

Conditions:
Dyskeratosis congenita, autosomal dominant 2. Identifiers: MedGen C3151443, MONDO:0013521, OMIM 613989.
Idiopathic Pulmonary Fibrosis. Also called: Idiopathic fibrosing alveolitis, chronic form; idiopathic fibrosing alveolitis. Identifiers: Orphanet 2032, MedGen C1800706, MeSH D054990, MONDO:0800504.

Allele frequency attached by ClinVar (database versions not stated): TOPMed below 0.00001; gnomAD 0.00001.
gnomAD v4.1: 1 of 1,543,486 alleles (0.000065%); highest among the groups gnomAD compares: Non-Finnish European, 0.000087%; no homozygotes.

Submission:

Labcorp Genetics (formerly Invitae), Labcorp
Classification: Uncertain significance for Dyskeratosis congenita, autosomal dominant 2; Idiopathic Pulmonary Fibrosis. Last evaluated: 2025-07-21. Review status: criteria provided, single submitter. Criteria: Invitae Variant Classification Sherloc (09022015). Collection method: clinical testing. Allele origin: germline.
Comment: This sequence change replaces serine, which is neutral and polar, with phenylalanine, which is neutral and non-polar, at codon 334 of the TERT protein (p.Ser334Phe). This variant is not present in population databases (gnomAD no frequency). This variant has not been reported in the literature in individuals affected with TERT-related conditions. ClinVar contains an entry for this variant (Variation ID: 2942047). Invitae Evidence Modeling of protein sequence and biophysical properties (such as structural, functional, and spatial information, amino acid conservation, physicochemical variation, residue mobility, and thermodynamic stability) indicates that this missense variant is expected to disrupt TERT protein function with a positive predictive value of 95%. In summary, the available evidence is currently insufficient to determine the role of this variant in disease. Therefore, it has been classified as a Variant of Uncertain Significance.